The following is an entry in ClinVar:

NM_016441.3(CRIM1):c.2730C>T (p.Ile910=)

Gene: CRIM1 (cysteine rich transmembrane BMP regulator 1). Cytogenetic location: 2p22.2.
Variant type: single nucleotide variant.
Coding change: c.2730C>T on transcript NM_016441.3 (MANE Select); coding-DNA position 2730, C replaced by T.
Protein change: p.Ile910=; no amino-acid change (isoleucine 910 retained).
Molecular consequence: synonymous variant.
Genome position (GRCh38, 1-based): chr2:36,544,482, C>T. VCF-style: chr2-36544482-C-T. GRCh37 (hg19) VCF-style: chr2-36771625-C-T.
Identifiers: ClinVar variation 780827 (VCV000780827.8), dbSNP rs116656609, ClinGen allele CA1610619.

ClinVar aggregate classification (germline): Benign/Likely benign. Review status: criteria provided, multiple submitters, no conflicts (2 of 4 stars). 4 submissions from 4 submitters: Benign (2); Likely benign (1). 1 of the submissions does not count toward it. Last evaluated 2024-11-13.

Conditions:
CRIM1-related disorder. Also called: CRIM1-related condition.

Allele frequency attached by ClinVar (database versions not stated): ExAC 0.00191; gnomAD 0.00528 and 0.00566; 1000 Genomes Project 30x 0.00593; 1000 Genomes Project 0.00619; ESP Exome Variant Server 0.00623; TOPMed 0.00623; gnomAD exomes 0.00154.
gnomAD v4.1: 1,443 of 1,375,986 alleles (0.1%); highest among the groups gnomAD compares: African/African-American, 1.8%; 13 homozygotes.

Submissions (4):

Blueprint Genetics
Classification: Likely benign. Last evaluated: 2024-11-13. Review status: criteria provided, single submitter. Criteria: ACMG Guidelines, 2015. Collection method: clinical testing. Allele origin: germline.

Labcorp Genetics (formerly Invitae), Labcorp
Classification: Benign. Last evaluated: 2019-12-31. Review status: criteria provided, single submitter. Criteria: Invitae Variant Classification Sherloc (09022015). Collection method: clinical testing. Allele origin: germline.

Breakthrough Genomics
Classification: Benign. Review status: criteria provided, single submitter. Criteria: ACMG Guidelines, 2015. Collection method: not provided. Allele origin: germline. Inheritance: Unknown mechanism. Affected: yes.

PreventionGenetics, part of Exact Sciences
Classification: Benign for CRIM1-related condition. Last evaluated: 2019-09-18. Review status: no assertion criteria provided. Collection method: clinical testing. Allele origin: germline. Not counted in ClinVar's aggregate classification.
Comment: This variant is classified as benign based on ACMG/AMP sequence variant interpretation guidelines (Richards et al. 2015 PMID: 25741868, with internal and published modifications).